The following is an entry in ClinVar:

NM_000091.5(COL4A3):c.609+5G>A

Genes: COL4A3 (collagen type IV alpha 3 chain; plus strand), MFF-DT (MFF divergent transcript; minus strand). Cytogenetic location: 2q36.3.
Variant type: single nucleotide variant.
Coding change: c.609+5G>A on transcript NM_000091.5 (MANE Select); 5 bases into the intron after coding-DNA position 609, G replaced by A.
Molecular consequence: intron variant.
Genome position (GRCh38, 1-based): chr2:227,251,207, G>A. VCF-style: chr2-227251207-G-A. GRCh37 (hg19) VCF-style: chr2-228115923-G-A.
Identifiers: ClinVar variation 3900769 (VCV003900769.1).

ClinVar aggregate classification (germline): Uncertain significance (1 of 4 stars; one submission).

Submission:

GeneDx
Classification: Uncertain significance. Last evaluated: 2024-11-20. Review status: criteria provided, single submitter. Criteria: GeneDx Variant Classification Process June 2021. Collection method: clinical testing. Allele origin: germline. Affected: yes.
Comment: Not observed at significant frequency in large population cohorts (gnomAD); Non-canonical splice site variant within a critical functional domain, the triple helical region; Intronic +5 splice site predicted to destroy the splice donor site of intron 10 and cause abnormal gene splicing resulting in an in-frame protein product with an abnormal message. However, in the absence of functional evidence the actual effect of this sequence change is unknown.; Has not been previously published as pathogenic or benign to our knowledge